The following is an entry in ClinVar:

ClinVar aggregate classification (germline): Uncertain significance (1 of 4 stars; one submission).

Submission:

GeneDx
Classification: Uncertain significance. Last evaluated: 2025-03-12. Review status: criteria provided, single submitter. Criteria: GeneDx Variant Classification Process June 2021. Collection method: clinical testing. Allele origin: germline. Affected: yes.
Comment: Not observed at significant frequency in large population cohorts (gnomAD); In silico analysis supports that this missense variant has a deleterious effect on protein structure/function; Has not been previously published as pathogenic or benign to our knowledge

NM_000256.3(MYBPC3):c.2055G>T (p.Lys685Asn)

Gene: MYBPC3 (myosin binding protein C3; minus strand). Cytogenetic location: 11p11.2.
Variant type: single nucleotide variant.
Coding change: c.2055G>T on transcript NM_000256.3 (MANE Select); coding-DNA position 2055, G replaced by T.
Protein change: p.Lys685Asn; replaces lysine 685 with asparagine.
Molecular consequence: missense variant.
Genome position (GRCh38, 1-based): chr11:47,339,663, C>A on the plus strand (G>T on the coding strand, the complement: MYBPC3 is on the minus strand). VCF-style: chr11-47339663-C-A. GRCh37 (hg19) VCF-style: chr11-47361214-C-A.
Other names: short protein forms K685N.
Identifiers: ClinVar variation 4083153 (VCV004083153.1).
Genomic context (GRCh38, chr11:47,339,663, plus strand): 5'-CACACACCCATCTTATAGATGGGGAGACTGAGGAGGGACCCACAGTACCTGCGTGATAGC[C>A]TTCTGCCAGATCACAGTGGGAGCAGGGTCCCCAGAGATAGGGACGTCCAGACGTAGCTTA-3'
Protein context (NP_000247.2, residues 675-695): GDPAPTVIWQ[Lys685Asn]AITQGNKAPA